The following is an entry in ClinVar:

NM_133433.4(NIPBL):c.3040C>T (p.Gln1014Ter)

Gene: NIPBL (NIPBL cohesin loading factor; plus strand). Cytogenetic location: 5p13.2.
Variant type: single nucleotide variant.
Coding change: c.3040C>T on transcript NM_133433.4 (MANE Select); coding-DNA position 3040, C replaced by T.
Protein change: p.Gln1014Ter; replaces glutamine 1014 with a stop codon.
Molecular consequence: nonsense.
Genome position (GRCh38, 1-based): chr5:36,986,220, C>T. VCF-style: chr5-36986220-C-T. GRCh37 (hg19) VCF-style: chr5-36986322-C-T.
Other names: c.3040C>T, p.Gln1014Ter (NM_015384.5); short protein forms Q1014*.
Identifiers: ClinVar variation 1420453 (VCV001420453.6), dbSNP rs2149646884, ClinGen allele CA359507874.

ClinVar aggregate classification (germline): Pathogenic (1 of 4 stars; one submission).

Conditions:
Cornelia de Lange syndrome 1 (CDLS1). Also called: Brachmann de Lange syndrome; NIPBL-Related Cornelia de Lange Syndrome; TYPUS DEGENERATIVUS AMSTELODAMENSIS. Identifiers: Orphanet 199, MedGen C4551851, MONDO:0007387, OMIM 122470.

Submission:

Labcorp Genetics (formerly Invitae), Labcorp
Classification: Pathogenic for Cornelia de Lange syndrome 1. Last evaluated: 2021-01-13. Review status: criteria provided, single submitter. Criteria: Invitae Variant Classification Sherloc (09022015). Collection method: clinical testing. Allele origin: germline.
Comment: This sequence change creates a premature translational stop signal (p.Gln1014*) in the NIPBL gene. It is expected to result in an absent or disrupted protein product. Loss-of-function variants in NIPBL are known to be pathogenic (PMID: 15318302, 19763162, 23505322, 29995837). This variant is not present in population databases (ExAC no frequency). This variant has not been reported in the literature in individuals with NIPBL-related conditions. For these reasons, this variant has been classified as Pathogenic.

Literature cited by the submitters: PubMed 15318302; PubMed 19763162; PubMed 23505322; PubMed 29995837.